The following is an entry in ClinVar:

ClinVar aggregate classification (germline): Benign. Review status: criteria provided, multiple submitters, no conflicts (2 of 4 stars). 3 submissions from 3 submitters: Benign (2). 1 of the submissions does not count toward it. Last evaluated 2018-06-20.

Conditions:
DNHD1-related disorder. Also called: DNHD1-related condition.

Allele frequency attached by ClinVar (database versions not stated): TOPMed 0.66329; ESP Exome Variant Server 0.66382; gnomAD 0.66146; gnomAD exomes 0.68964; 1000 Genomes Project 30x 0.70815; 1000 Genomes Project 0.71526; ExAC 0.71638.
gnomAD v4.1: 1,050,549 of 1,550,184 alleles (68%); highest among the groups gnomAD compares: East Asian, 87%; 357,964 homozygotes.

Submissions (3):

GeneDx
Classification: Benign. Last evaluated: 2018-06-20. Review status: criteria provided, single submitter. Criteria: GeneDx Variant Classification (06012015). Collection method: clinical testing. Allele origin: germline. Affected: yes.
Comment: This variant is considered likely benign or benign based on one or more of the following criteria: it is a conservative change, it occurs at a poorly conserved position in the protein, it is predicted to be benign by multiple in silico algorithms, and/or has population frequency not consistent with disease.

Breakthrough Genomics
Classification: Benign. Review status: criteria provided, single submitter. Criteria: ACMG Guidelines, 2015. Collection method: not provided. Allele origin: germline. Inheritance: Autosomal recessive inheritance. Affected: yes.

PreventionGenetics, part of Exact Sciences
Classification: Benign for DNHD1-related condition. Last evaluated: 2023-11-29. Review status: no assertion criteria provided. Collection method: clinical testing. Allele origin: germline. Not counted in ClinVar's aggregate classification.
Comment: This variant is classified as benign based on ACMG/AMP sequence variant interpretation guidelines (Richards et al. 2015 PMID: 25741868, with internal and published modifications).

NM_144666.3(DNHD1):c.2305G>A (p.Gly769Arg)

Gene: DNHD1 (dynein heavy chain domain 1; plus strand). Cytogenetic location: 11p15.4.
Variant type: single nucleotide variant.
Coding change: c.2305G>A on transcript NM_144666.3 (MANE Select); coding-DNA position 2305, G replaced by A.
Protein change: p.Gly769Arg; replaces glycine 769 with arginine.
Molecular consequence: missense variant.
Genome position (GRCh38, 1-based): chr11:6,529,079, G>A. VCF-style: chr11-6529079-G-A. GRCh37 (hg19) VCF-style: chr11-6550309-G-A.
Other names: short protein forms G769R.
Identifiers: ClinVar variation 674309 (VCV000674309.4), dbSNP rs2344829, ClinGen allele CA5855770.
Genomic context (GRCh38, chr11:6,529,079, plus strand): 5'-CGCCTGAATGTTTGGCAGGCCCGTGTCTCCAGTATGCCTATCGAGTTGCTCACAAAAGGC[G>A]GGTTGCTGCTACTTAGCTGCCATGATGTACAGGCAGAGATGGGTGAGTACTGCTTCTCTT-3'
Protein context (NP_653267.2, residues 759-779): SMPIELLTKG[Gly769Arg]LLLLSCHDVQ